The following is an entry in ClinVar:

ClinVar aggregate classification (germline): Uncertain significance (1 of 4 stars; one submission).

Conditions:
Inborn genetic diseases. Identifiers: MedGen C0950123, MeSH D030342.

gnomAD v4.1: 3 of 1,613,354 alleles (0.00019%); highest among the groups gnomAD compares: Non-Finnish European, 0.00025%; no homozygotes.

Submission:

Ambry Genetics
Classification: Uncertain significance for Inborn genetic diseases. Last evaluated: 2024-06-24. Review status: criteria provided, single submitter. Criteria: Ambry Variant Classification Scheme 2023. Collection method: clinical testing. Allele origin: germline.
Comment: The p.A141V variant (also known as c.422C>T), located in coding exon 4 of the RAD51 gene, results from a C to T substitution at nucleotide position 422. The alanine at codon 141 is replaced by valine, an amino acid with similar properties. This amino acid position is conserved. In addition, this alteration is predicted to be deleterious by in silico analysis. Based on the available evidence, the clinical significance of this variant remains unclear.

NM_002875.5(RAD51):c.422C>T (p.Ala141Val)

Gene: RAD51 (RAD51 recombinase; plus strand). Cytogenetic location: 15q15.1.
Variant type: single nucleotide variant.
Coding change: c.422C>T on transcript NM_002875.5 (MANE Select); coding-DNA position 422, C replaced by T.
Protein change: p.Ala141Val; replaces alanine 141 with valine.
Molecular consequence: missense variant.
Genome position (GRCh38, 1-based): chr15:40,709,103, C>T. VCF-style: chr15-40709103-C-T. GRCh37 (hg19) VCF-style: chr15-41001301-C-T.
Other names: c.425C>T, p.Ala142Val (NM_001164269.2, NM_133487.4); c.422C>T, p.Ala141Val (NM_001164270.2); short protein forms A141V, A142V.
Identifiers: ClinVar variation 3312367 (VCV003312367.1).